The following is an entry in ClinVar:

ClinVar aggregate classification (germline): Uncertain significance. Review status: criteria provided, multiple submitters, no conflicts (2 of 4 stars). 2 submissions from 2 submitters: Uncertain significance (2). Last evaluated 2024-02-23.

Conditions:
Inborn genetic diseases. Identifiers: MedGen C0950123, MeSH D030342.

Allele frequency attached by ClinVar (database versions not stated): gnomAD 0.00001; TOPMed 0.00003; gnomAD exomes 0.00005; ESP Exome Variant Server 0.00008.
gnomAD v4.1: 65 of 1,553,340 alleles (0.0042%); highest among the groups gnomAD compares: Non-Finnish European, 0.0052%; 1 homozygote.

Submissions (2):

Labcorp Genetics (formerly Invitae), Labcorp
Classification: Uncertain significance. Last evaluated: 2024-02-23. Review status: criteria provided, single submitter. Criteria: Invitae Variant Classification Sherloc (09022015). Collection method: clinical testing. Allele origin: germline.
Comment: This sequence change replaces arginine, which is basic and polar, with cysteine, which is neutral and slightly polar, at codon 1301 of the OBSL1 protein (p.Arg1301Cys). The frequency data for this variant in the population databases is considered unreliable, as metrics indicate poor data quality at this position in the gnomAD database. This variant has not been reported in the literature in individuals affected with OBSL1-related conditions. ClinVar contains an entry for this variant (Variation ID: 2177272). An algorithm developed to predict the effect of missense changes on protein structure and function (PolyPhen-2) suggests that this variant is likely to be disruptive. In summary, the available evidence is currently insufficient to determine the role of this variant in disease. Therefore, it has been classified as a Variant of Uncertain Significance.

Ambry Genetics
Classification: Uncertain significance for Inborn genetic diseases. Last evaluated: 2023-05-09. Review status: criteria provided, single submitter. Criteria: Ambry Variant Classification Scheme 2023. Collection method: clinical testing. Allele origin: germline.

NM_015311.3(OBSL1):c.3901C>T (p.Arg1301Cys)

Gene: OBSL1 (obscurin like cytoskeletal adaptor 1; minus strand). Cytogenetic location: 2q35.
Variant type: single nucleotide variant.
Coding change: c.3901C>T on transcript NM_015311.3 (MANE Select); coding-DNA position 3901, C replaced by T.
Protein change: p.Arg1301Cys; replaces arginine 1301 with cysteine.
Molecular consequence: missense variant.
Genome position (GRCh38, 1-based): chr2:219,557,508, G>A on the plus strand (C>T on the coding strand, the complement: OBSL1 is on the minus strand). VCF-style: chr2-219557508-G-A. GRCh37 (hg19) VCF-style: chr2-220422230-G-A.
Other names: c.3901C>T, p.Arg1301Cys (NM_001173431.2); c.3901C>T (NM_015311.2); short protein forms R1301C.
Identifiers: ClinVar variation 2177272 (VCV002177272.6), dbSNP rs377159982, ClinGen allele CA2130720.